The following is an entry in ClinVar:

NM_032444.4(SLX4):c.246C>T (p.Asn82=)

Gene: SLX4 (SLX4 structure-specific endonuclease subunit; minus strand). Cytogenetic location: 16p13.3.
Variant type: single nucleotide variant.
Coding change: c.246C>T on transcript NM_032444.4 (MANE Select); coding-DNA position 246, C replaced by T.
Protein change: p.Asn82=; no amino-acid change (asparagine 82 retained).
Molecular consequence: synonymous variant.
Genome position (GRCh38, 1-based): chr16:3,608,719, G>A on the plus strand (C>T on the coding strand, the complement: SLX4 is on the minus strand). VCF-style: chr16-3608719-G-A. GRCh37 (hg19) VCF-style: chr16-3658720-G-A.
Identifiers: ClinVar variation 1589197 (VCV001589197.32), dbSNP rs1021522087, ClinGen allele CA276971234.

ClinVar aggregate classification (germline): Likely benign. Review status: criteria provided, multiple submitters, no conflicts (2 of 4 stars). 2 submissions from 2 submitters: Likely benign (2). Last evaluated 2025-09-19.

Conditions:
Fanconi anemia (FA). Also called: Fanconi's anemia. Identifiers: Orphanet 84, MedGen C0015625, MeSH D005199, MONDO:0019391.

Allele frequency attached by ClinVar (database versions not stated): gnomAD exomes 0.00001; gnomAD 0.00003 and 0.00004; TOPMed 0.00005.
gnomAD v4.1: 13 of 1,614,074 alleles (0.00081%); highest among the groups gnomAD compares: African/African-American, 0.0067%; no homozygotes.

Submissions (2):

Labcorp Genetics (formerly Invitae), Labcorp
Classification: Likely benign for Fanconi anemia. Last evaluated: 2025-09-19. Review status: criteria provided, single submitter. Criteria: Invitae Variant Classification Sherloc (09022015). Collection method: clinical testing. Allele origin: germline.

CeGaT Center for Human Genetics Tuebingen
Classification: Likely benign. Last evaluated: 2022-11-01. Review status: criteria provided, single submitter. Criteria: CeGaT Center For Human Genetics Tuebingen Variant Classification Criteria Version 2. Collection method: clinical testing. Allele origin: germline. Affected: yes. Observed: 1 variant allele.
Comment: SLX4: BP4, BP7